The following is an entry in ClinVar:

NM_006269.2(RP1):c.4908C>T (p.Tyr1636=)

Genes: RP1 (RP1 axonemal microtubule associated; plus strand), LOC126860392 (CDK7 strongly-dependent group 2 enhancer GRCh37_chr8:55541319-55542518; plus strand). Cytogenetic location: 8q12.1.
Variant type: single nucleotide variant.
Coding change: c.4908C>T on transcript NM_006269.2 (MANE Select); coding-DNA position 4908, C replaced by T.
Protein change: p.Tyr1636=; no amino-acid change (tyrosine 1636 retained).
Molecular consequence: synonymous variant. On other transcripts: intron variant (1).
Genome position (GRCh38, 1-based): chr8:54,628,790, C>T. VCF-style: chr8-54628790-C-T. GRCh37 (hg19) VCF-style: chr8-55541350-C-T.
Other names: c.787+6502C>T (NM_001375654.1).
Identifiers: ClinVar variation 721026 (VCV000721026.14), dbSNP rs200942439, ClinGen allele CA4751967.

ClinVar aggregate classification (germline): Likely benign. Review status: criteria provided, multiple submitters, no conflicts (2 of 4 stars). 3 submissions from 3 submitters: Likely benign (2). 1 of the submissions does not count toward it. Last evaluated 2025-12-01.

Conditions:
RP1-related disorder. Also called: RP1-related condition.

Allele frequency attached by ClinVar (database versions not stated): ESP Exome Variant Server 0.00008; gnomAD 0.00042 and 0.00045; TOPMed 0.00052; 1000 Genomes Project 0.00080; 1000 Genomes Project 30x 0.00094.
gnomAD v4.1: 215 of 1,614,010 alleles (0.013%); highest among the groups gnomAD compares: Admixed American, 0.083%; 1 homozygote.

Submissions (3):

Labcorp Genetics (formerly Invitae), Labcorp
Classification: Likely benign. Last evaluated: 2025-12-01. Review status: criteria provided, single submitter. Criteria: Invitae Variant Classification Sherloc (09022015). Collection method: clinical testing. Allele origin: germline.

Blueprint Genetics
Classification: Likely benign. Last evaluated: 2024-08-14. Review status: criteria provided, single submitter. Criteria: ACMG Guidelines, 2015. Collection method: clinical testing. Allele origin: germline.

PreventionGenetics, part of Exact Sciences
Classification: Likely benign for RP1-related condition. Last evaluated: 2024-08-19. Review status: no assertion criteria provided. Collection method: clinical testing. Allele origin: germline. Not counted in ClinVar's aggregate classification.
Comment: This variant is classified as likely benign based on ACMG/AMP sequence variant interpretation guidelines (Richards et al. 2015 PMID: 25741868, with internal and published modifications).